The following is an entry in ClinVar:

ClinVar aggregate classification (germline): Uncertain significance. Review status: criteria provided, multiple submitters, no conflicts (2 of 4 stars). 2 submissions from 2 submitters: Uncertain significance (2). Last evaluated 2025-12-02.

Conditions:
Inborn genetic diseases. Identifiers: MedGen C0950123, MeSH D030342.

Allele frequency attached by ClinVar (database versions not stated): gnomAD exomes 0.00001; ExAC 0.00002.
gnomAD v4.1: 11 of 1,609,684 alleles (0.00068%); highest among the groups gnomAD compares: South Asian, 0.01%; no homozygotes.

Submissions (3):

Ambry Genetics
Classification: Uncertain significance for Inborn genetic diseases. Last evaluated: 2025-12-02. Review status: criteria provided, single submitter. Criteria: Ambry Variant Classification Scheme 2023. Collection method: clinical testing. Allele origin: germline.

Labcorp Genetics (formerly Invitae), Labcorp
Classification: Uncertain significance. Last evaluated: 2021-10-16. Review status: criteria provided, single submitter. Criteria: Invitae Variant Classification Sherloc (09022015). Collection method: clinical testing. Allele origin: germline.
Comment: In summary, the available evidence is currently insufficient to determine the role of this variant in disease. Therefore, it has been classified as a Variant of Uncertain Significance. Algorithms developed to predict the effect of sequence changes on RNA splicing suggest that this variant may create or strengthen a splice site. This sequence change replaces alanine with glycine at codon 287 of the FARSB protein (p.Ala287Gly). The alanine residue is moderately conserved and there is a small physicochemical difference between alanine and glycine. This variant has not been reported in the literature in individuals affected with FARSB-related conditions. Algorithms developed to predict the effect of missense changes on protein structure and function (SIFT, PolyPhen-2, Align-GVGD) all suggest that this variant is likely to be tolerated. This variant is present in population databases (rs760096037, ExAC 0.006%).

Dr. Peter K. Rogan Lab, Western University
No classification provided (evidence only). Condition: Melanoma. Review status: no classification provided. Collection method: in vitro. Allele origin: not applicable. Functional consequence: retained intron. Not counted in ClinVar's aggregate classification.

NM_005687.5(FARSB):c.860C>G (p.Ala287Gly)

Gene: FARSB (phenylalanyl-tRNA synthetase subunit beta; minus strand). Cytogenetic location: 2q36.1.
Variant type: single nucleotide variant.
Coding change: c.860C>G on transcript NM_005687.5 (MANE Select); coding-DNA position 860, C replaced by G.
Protein change: p.Ala287Gly; replaces alanine 287 with glycine.
Molecular consequence: missense variant. On other transcripts: non-coding transcript variant (1).
Genome position (GRCh38, 1-based): chr2:222,628,877, G>C on the plus strand (C>G on the coding strand, the complement: FARSB is on the minus strand). VCF-style: chr2-222628877-G-C. GRCh37 (hg19) VCF-style: chr2-223493596-G-C.
Other names: c.860C>G (NM_005687.3); short protein forms A287G.
Identifiers: ClinVar variation 1511922 (VCV001511922.8), dbSNP rs760096037, ClinGen allele CA2136515.